The following is an entry in ClinVar:

NM_003571.4(BFSP2):c.865G>A (p.Glu289Lys)

Genes: BFSP2-AS1 (BFSP2 antisense RNA 1; minus strand), BFSP2 (beaded filament structural protein 2; plus strand). Cytogenetic location: 3q22.1.
Variant type: single nucleotide variant.
Coding change: c.865G>A on transcript NM_003571.4 (MANE Select); coding-DNA position 865, G replaced by A.
Protein change: p.Glu289Lys; replaces glutamic acid 289 with lysine.
Molecular consequence: missense variant.
Genome position (GRCh38, 1-based): chr3:133,450,438, G>A. VCF-style: chr3-133450438-G-A. GRCh37 (hg19) VCF-style: chr3-133169282-G-A.
Other names: c.865G>A (NM_003571.3); short protein forms E289K.
Identifiers: ClinVar variation 343412 (VCV000343412.8), dbSNP rs145444931, ClinGen allele CA2623385.

ClinVar aggregate classification (germline): Conflicting classifications of pathogenicity. Review status: criteria provided, conflicting classifications (1 of 4 stars). 3 submissions from 3 submitters: Uncertain significance (2); Benign (1). Last evaluated 2025-11-27.

Conditions:
BFSP2-related disorder. Also called: BFSP2-related condition.
Cataract 12 multiple types. Identifiers: Orphanet 91492, MedGen C3808115, MONDO:0012701, OMIM 611597.

Allele frequency attached by ClinVar (database versions not stated): gnomAD exomes 0.00032 and 0.00052; ExAC 0.00035; gnomAD 0.00038 and 0.00041; TOPMed 0.00044; ESP Exome Variant Server 0.00046.
gnomAD v4.1: 799 of 1,613,964 alleles (0.05%); highest among the groups gnomAD compares: Non-Finnish European, 0.063%; no homozygotes.

Submissions (3):

Labcorp Genetics (formerly Invitae), Labcorp
Classification: Uncertain significance for Cataract 12 multiple types. Last evaluated: 2025-11-27. Review status: criteria provided, single submitter. Criteria: Invitae Variant Classification Sherloc (09022015). Collection method: clinical testing. Allele origin: germline.
Comment: This sequence change replaces glutamic acid, which is acidic and polar, with lysine, which is basic and polar, at codon 289 of the BFSP2 protein (p.Glu289Lys). This variant is present in population databases (rs145444931, gnomAD 0.05%). This variant has not been reported in the literature in individuals affected with BFSP2-related conditions. ClinVar contains an entry for this variant (Variation ID: 343412). Invitae Evidence Modeling of protein sequence and biophysical properties (such as structural, functional, and spatial information, amino acid conservation, physicochemical variation, residue mobility, and thermodynamic stability) indicates that this missense variant is not expected to disrupt BFSP2 protein function with a negative predictive value of 80%. In summary, the available evidence is currently insufficient to determine the role of this variant in disease. Therefore, it has been classified as a Variant of Uncertain Significance.

PreventionGenetics, part of Exact Sciences
Classification: Uncertain significance for BFSP2-related condition. Last evaluated: 2023-02-20. Review status: criteria provided, single submitter. Criteria: ACMG Guidelines, 2015. Collection method: clinical testing. Allele origin: germline.
Comment: The BFSP2 c.865G>A variant is predicted to result in the amino acid substitution p.Glu289Lys. To our knowledge, this variant has not been reported in the literature. This variant is reported in 0.053% of alleles in individuals of European (Non-Finnish) descent in gnomAD. Although we suspect that this variant may be benign, at this time, the clinical significance of this variant is uncertain due to the absence of conclusive functional and genetic evidence.

Illumina Laboratory Services, Illumina
Classification: Benign for Cataract 12 multiple types. Last evaluated: 2018-01-13. Review status: criteria provided, single submitter. Criteria: ICSL Variant Classification Criteria 13 December 2019. Collection method: clinical testing. Allele origin: germline.
Comment: This variant was observed in the ICSL laboratory as part of a predisposition screen in an ostensibly healthy population. It had not been previously curated by ICSL or reported in the Human Gene Mutation Database (HGMD: prior to June 1st, 2018), and was therefore a candidate for classification through an automated scoring system. Utilizing variant allele frequency, disease prevalence and penetrance estimates, and inheritance mode, an automated score was calculated to assess if this variant is too frequent to cause the disease. Based on the score and internal cut-off values, a variant classified as benign is not then subjected to further curation. The score for this variant resulted in a classification of benign for this disease.